The following is an entry in ClinVar:

NM_001384140.1(PCDH15):c.985_985+3del

Gene: PCDH15 (protocadherin related 15; minus strand). Cytogenetic location: 10q21.1.
Variant type: Deletion.
Coding change: c.985_985+3del on transcript NM_001384140.1 (MANE Select); coding-DNA position 985 through 3 bases into the intron after coding-DNA position 985, 4 bases deleted (GGTT; older notation c.985_985+3delGGTT).
Molecular consequence: splice donor variant.
Genome position (GRCh38, 1-based): chr10:54,236,820-54,236,823, AACC deleted on the plus strand (GGTT on the coding strand, the reverse complement: PCDH15 is on the minus strand); deleting any 4 consecutive bases within chr10:54,236,820-54,236,826 gives the same sequence; the c. name uses the placement nearest the transcript's 3' end. VCF-style (leftmost placement, unchanged base first): chr10-54236819-AAACC-A. GRCh37 (hg19) VCF-style: chr10-55996579-AAACC-A.
Other names: c.985_985+3del (NM_001354411.2, NM_001142765.2, NM_001142766.2 and 7 more transcripts); c.1000_1000+3del (NM_001142769.3, NM_001142763.2, NM_001142771.2); c.919_919+3del (NM_001354404.2, NM_001142773.2, NM_001142768.2); c.874_874+3del (NM_001142767.2).
Identifiers: ClinVar variation 2123135 (VCV002123135.4), dbSNP rs2540221503, ClinGen allele CA2580081647.

ClinVar aggregate classification (germline): Pathogenic (1 of 4 stars; one submission).

Submission:

Labcorp Genetics (formerly Invitae), Labcorp
Classification: Pathogenic. Last evaluated: 2022-04-08. Review status: criteria provided, single submitter. Criteria: Invitae Variant Classification Sherloc (09022015). Collection method: clinical testing. Allele origin: germline.
Comment: This variant is not present in population databases (gnomAD no frequency). This sequence change creates a premature translational stop signal (p.Val328Glyfs*25) in the PCDH15 gene. It is expected to result in an absent or disrupted protein product. Loss-of-function variants in PCDH15 are known to be pathogenic (PMID: 11398101, 11487575, 14570705). This variant has not been reported in the literature in individuals affected with PCDH15-related conditions. For these reasons, this variant has been classified as Pathogenic. Algorithms developed to predict the effect of sequence changes on RNA splicing suggest that this variant may disrupt the consensus splice site. This variant is also known as c.985_985+3del.

Literature cited by the submitters: PubMed 11398101; PubMed 11487575; PubMed 14570705.